The following is an entry in ClinVar:

NM_000263.4(NAGLU):c.874G>A (p.Gly292Arg)

Gene: NAGLU (N-acetyl-alpha-glucosaminidase; plus strand). Cytogenetic location: 17q21.2.
Variant type: single nucleotide variant.
Coding change: c.874G>A on transcript NM_000263.4 (MANE Select); coding-DNA position 874, G replaced by A.
Protein change: p.Gly292Arg; replaces glycine 292 with arginine.
Molecular consequence: missense variant.
Genome position (GRCh38, 1-based): chr17:42,541,059, G>A. VCF-style: chr17-42541059-G-A. GRCh37 (hg19) VCF-style: chr17-40693077-G-A.
Other names: p.Gly292Arg; short protein forms G292R.
Identifiers: ClinVar variation 553021 (VCV000553021.17), dbSNP rs1358994052, ClinGen allele CA399600113.

ClinVar aggregate classification (germline): Pathogenic. Review status: criteria provided, multiple submitters, no conflicts (2 of 4 stars). 9 submissions from 9 submitters: Pathogenic (6). 3 of the submissions do not count toward it. Last evaluated 2025-06-11.

Conditions:
NAGLU-related disorder. Also called: NAGLU-related condition.
Mucopolysaccharidosis, MPS-III-B (MPS3B). Also called: MUCOPOLYSACCHARIDOSIS, TYPE IIIB; N-ACETYL-ALPHA-D-GLUCOSAMINIDASE DEFICIENCY; NAGLU DEFICIENCY; SANFILIPPO SYNDROME B; Mucopolysaccharidosis type IIIB (Sanfilippo B); MPS IIIB (Sanfilippo Syndrome Type B). Identifiers: Orphanet 79270, MedGen C0086648, MONDO:0009656, OMIM 252920.
Charcot-Marie-Tooth disease axonal type 2V. Also called: CHARCOT-MARIE-TOOTH NEUROPATHY, TYPE 2V; CHARCOT-MARIE-TOOTH DISEASE, AXONAL, AUTOSOMAL DOMINANT, TYPE 2V. Identifiers: Orphanet 447964, MedGen C5569050, MONDO:0014665, OMIM 616491.

Allele frequency attached by ClinVar (database versions not stated): gnomAD exomes 0.00001; TOPMed 0.00004.
gnomAD v4.1: 27 of 1,614,088 alleles (0.0017%); highest among the groups gnomAD compares: South Asian, 0.0022%; no homozygotes.

Submissions (9):

Natera, Inc.
Classification: Pathogenic for Mucopolysaccharidosis type IIIB. Last evaluated: 2025-06-11. Review status: criteria provided, single submitter. Criteria: Natera Variant Classification Schema (03/2026). Collection method: clinical testing. Allele origin: germline.
Comment: The c.874G>A variant in NAGLU is a missense variant predicted to cause substitution of glycine to arginine at amino acid 292. This variant is rare in the general population with a frequency below the threshold expected for the associated phenotype(s). This variant has been observed in one or more individuals affected with the associated recessive disease, as either homozygous or compound heterozygous with a second variant (PMID: 23380547, 22976768, 14984474, 11153910, 9950362, 10094189). Computational prediction algorithms indicate this variant is likely to affect gene or protein function. Given the available evidence, this variant is classified as Pathogenic.

Labcorp Genetics (formerly Invitae), Labcorp
Classification: Pathogenic for Charcot-Marie-Tooth disease axonal type 2V; Mucopolysaccharidosis, MPS-III-B. Last evaluated: 2025-02-03. Review status: criteria provided, single submitter. Criteria: Invitae Variant Classification Sherloc (09022015). Collection method: clinical testing. Allele origin: germline.
Comment: This sequence change replaces glycine, which is neutral and non-polar, with arginine, which is basic and polar, at codon 292 of the NAGLU protein (p.Gly292Arg). This variant is present in population databases (no rsID available, gnomAD 0.01%). This missense change has been observed in individual(s) with mucopolysaccharidosis type III (PMID: 9950362, 10094189, 11153910, 14984474, 22976768, 23380547, 27590925, 30809705). ClinVar contains an entry for this variant (Variation ID: 553021). Invitae Evidence Modeling of protein sequence and biophysical properties (such as structural, functional, and spatial information, amino acid conservation, physicochemical variation, residue mobility, and thermodynamic stability) indicates that this missense variant is expected to disrupt NAGLU protein function with a positive predictive value of 95%. For these reasons, this variant has been classified as Pathogenic.

Dasa
Classification: Pathogenic. Last evaluated: 2024-12-11. Review status: criteria provided, single submitter. Criteria: DASA Assertion Criteria. Collection method: clinical testing. Allele origin: germline.
Comment: NM_000263.4(NAGLU):c.874G>A (p.Gly292Arg) is a missense variant that results in the substitution of glycine with arginine. This variant has been observed in affected individuals with related phenotype in a genotype context consistent with recessive disease (PMID: 9950362; PMID: 10094189; PMID: 11153910; PMID: 14984474; PMID: 22976768). This variant has been recurrently observed in individuals with related phenotype (PMID: 9950362; PMID: 10094189; PMID: 11153910; PMID: 14984474; PMID: 22976768). Multiple computational predictions support a deleterious effect on the gene or gene product. The variant is present at low frequency in population datasets. Based on the available data, this variant is classified as pathogenic.

Laboratory of Medical Genetics, National & Kapodistrian University of Athens
Classification: Pathogenic for Mucopolysaccharidosis, MPS-III-B. Last evaluated: 2024-02-01. Review status: criteria provided, single submitter. Criteria: ACMG Guidelines, 2015. Collection method: curation. Allele origin: germline. Affected: no.

Foundation for Research in Genetics and Endocrinology, FRIGE's Institute of Human Genetics
Classification: Pathogenic for Mucopolysaccharidosis, MPS-III-B. Last evaluated: 2023-05-25. Review status: criteria provided, single submitter. Criteria: ACMG Guidelines, 2015. Collection method: clinical testing. Allele origin: germline. Inheritance: Autosomal recessive inheritance. Affected: yes. Observed: 1 homozygote.
Comment: A homozygous variation in exon 5 of the NAGLU gene that results in the amino acid substitution of arginine for glycine at codon 292 was detected. The observed variant c.874G>A (p.Gly292Arg) has not beeen reported in the 1000 genomes and has MAF of 0.0012% gnomAD databases. The in silico prediction of the variant is disease causing by PolyPhen-2, SIFT, MutationTaster and CADD. In summary, the variant meets our criteria to be classified as pathogenic.

Juno Genomics, Hangzhou Juno Genomics, Inc
Classification: Pathogenic for Mucopolysaccharidosis, MPS-III-B. Review status: criteria provided, single submitter. Criteria: ACMG Guidelines, 2015. Collection method: clinical testing. Allele origin: germline. Affected: yes.
Comment: Absent from controls (or at extremely low frequency if recessive) in Genome Aggregation Database.;Multiple lines of computational evidence support a deleterious effect on the gene or gene product.;For recessive disorders, detected in trans with a pathogenic variant.;Patient's phenotype or family history is highly specific for a disease with a single genetic etiology.

PreventionGenetics, part of Exact Sciences
Classification: Pathogenic for NAGLU-related condition. Last evaluated: 2024-06-13. Review status: no assertion criteria provided. Collection method: clinical testing. Allele origin: germline. Not counted in ClinVar's aggregate classification.
Comment: The NAGLU c.874G>A variant is predicted to result in the amino acid substitution p.Gly292Arg. This variant has been reported in the homozygous and compound heterozygous states in multiple individuals with mucopolysaccharidosis (see for example, Table 2, Bunge et al. 1999. PubMed ID: 9950362; Table 2, Tessitore et al. 2000. PubMed ID: 11153910; Table 1, Zanetti et al. 2019. PubMed ID: 30809705). An in vitro experimental study suggests this variant, in the compound heterozygous state, abolishes enzymatic activity (Table 5, Pollard et al. 2012. PubMed ID: 22976768). This variant is reported in 0.0099% of alleles in individuals of Ashkenazi Jewish descent in gnomAD. This variant is interpreted as pathogenic.

Counsyl
Classification: Likely pathogenic for Mucopolysaccharidosis, MPS-III-B. Last evaluated: 2017-07-25. Review status: no assertion criteria provided. Collection method: clinical testing. Allele origin: unknown. Not counted in ClinVar's aggregate classification.

Laboratory of Diagnosis and Therapy of Lysosomal Disorders, University of Padova
Classification: Uncertain significance for Mucopolysaccharidosis, MPS-III-B. Last evaluated: 2019-01-01. Review status: flagged submission. Criteria: ACMG Guidelines, 2015. Collection method: literature only. Allele origin: germline. Affected: yes. Not counted in ClinVar's aggregate classification.
Comment: PM2:Very low frequency in ExAC. PP3:multiple lines of computational evidence supporting a deleterious effect (DANN, MutationTaster, GERP, SIFT)
ClinVar note: Reason: Outlier claim with insufficient supporting evidence

Literature cited by the submitters: PubMed 23380547 (cited by 5 submitters); PubMed 22976768 (cited by 4 submitters); PubMed 14984474 (cited by 4 submitters); PubMed 11153910 (cited by 4 submitters); PubMed 9950362 (cited by 5 submitters); PubMed 10094189 (cited by 4 submitters); PubMed 27590925 (cited by 3 submitters); PubMed 30809705 (cited by 3 submitters).